The following is an entry in ClinVar:

ClinVar aggregate classification (germline): Uncertain significance (1 of 4 stars; one submission).

Conditions:
Early-infantile DEE. Also called: Early infantile epileptic encephalopathy; Ohtahara syndrome; Early infantile epileptic encephalopathy with suppression bursts. Identifiers: Orphanet 1934, MedGen C0393706, MONDO:0800491.

Allele frequency attached by ClinVar (database versions not stated): TOPMed below 0.00001; gnomAD 0.00001; gnomAD exomes 0.00001 and 0.00002; ExAC 0.00004.
gnomAD v4.1: 18 of 1,570,238 alleles (0.0011%); highest among the groups gnomAD compares: Admixed American, 0.0038%; no homozygotes.

Submission:

Labcorp Genetics (formerly Invitae), Labcorp
Classification: Uncertain significance for Early-infantile DEE. Last evaluated: 2025-04-09. Review status: criteria provided, single submitter. Criteria: Invitae Variant Classification Sherloc (09022015). Collection method: clinical testing. Allele origin: germline.
Comment: This sequence change replaces alanine, which is neutral and non-polar, with threonine, which is neutral and polar, at codon 404 of the KCNQ2 protein (p.Ala404Thr). The frequency data for this variant in the population databases is considered unreliable, as metrics indicate poor data quality at this position in the gnomAD database. This variant has not been reported in the literature in individuals affected with KCNQ2-related conditions. ClinVar contains an entry for this variant (Variation ID: 1422458). Invitae Evidence Modeling of protein sequence and biophysical properties (such as structural, functional, and spatial information, amino acid conservation, physicochemical variation, residue mobility, and thermodynamic stability) indicates that this missense variant is not expected to disrupt KCNQ2 protein function with a negative predictive value of 95%. In summary, the available evidence is currently insufficient to determine the role of this variant in disease. Therefore, it has been classified as a Variant of Uncertain Significance.

NM_172107.4(KCNQ2):c.1210G>A (p.Ala404Thr)

Gene: KCNQ2 (potassium voltage-gated channel subfamily Q member 2; minus strand). Cytogenetic location: 20q13.33.
Variant type: single nucleotide variant.
Coding change: c.1210G>A on transcript NM_172107.4 (MANE Select); coding-DNA position 1210, G replaced by A.
Protein change: p.Ala404Thr; replaces alanine 404 with threonine.
Molecular consequence: missense variant.
Genome position (GRCh38, 1-based): chr20:63,428,374, C>T on the plus strand (G>A on the coding strand, the complement: KCNQ2 is on the minus strand). VCF-style: chr20-63428374-C-T. GRCh37 (hg19) VCF-style: chr20-62059727-C-T.
Other names: c.1210G>A, p.Ala404Thr (NM_001382235.1, NM_172106.3, NM_172108.5); c.1180G>A, p.Ala394Thr (NM_004518.6); short protein forms A394T, A404T.
Identifiers: ClinVar variation 1422458 (VCV001422458.9), dbSNP rs767250354, ClinGen allele CA9958572.